The following is an entry in ClinVar:

NM_001035.3(RYR2):c.2833G>T (p.Ala945Ser)

Gene: RYR2 (ryanodine receptor 2; plus strand). Cytogenetic location: 1q43.
Variant type: single nucleotide variant.
Coding change: c.2833G>T on transcript NM_001035.3 (MANE Select); coding-DNA position 2833, G replaced by T.
Protein change: p.Ala945Ser; replaces alanine 945 with serine.
Molecular consequence: missense variant.
Genome position (GRCh38, 1-based): chr1:237,530,437, G>T. VCF-style: chr1-237530437-G-T. GRCh37 (hg19) VCF-style: chr1-237693737-G-T.
Other names: c.2833G>T (NM_001035.2); short protein forms A945S.
Identifiers: ClinVar variation 921613 (VCV000921613.10), dbSNP rs755764350, ClinGen allele CA086218.

ClinVar aggregate classification (germline): Uncertain significance. Review status: criteria provided, multiple submitters, no conflicts (2 of 4 stars). 4 submissions from 4 submitters: Uncertain significance (4). Last evaluated 2025-11-03.

Conditions:
Cardiovascular phenotype. Identifiers: MedGen CN230736.
Catecholaminergic polymorphic ventricular tachycardia (CVPT). Also called: Catecholamine-induced polymorphic ventricular tachycardia. Identifiers: Orphanet 3286, MedGen C5574922, MONDO:0017990.
Cardiomyopathy (CMYO). Also called: Cardiomyopathies. Identifiers: Orphanet 167848, MedGen C0878544, MONDO:0004994, HP:0001638. Inheritance: Various modes of inheritance.
Catecholaminergic polymorphic ventricular tachycardia 1. Also called: VENTRICULAR TACHYCARDIA, CATECHOLAMINERGIC POLYMORPHIC, 1, WITH OR WITHOUT ATRIAL DYSFUNCTION AND/OR DILATED CARDIOMYOPATHY; RYR2-Related Catecholaminergic Polymorphic Ventricular Tachycardia; VENTRICULAR TACHYCARDIA, STRESS-INDUCED POLYMORPHIC 1. Identifiers: Orphanet 3286, MedGen C1631597, MONDO:0011484, OMIM 604772.

Allele frequency attached by ClinVar (database versions not stated): gnomAD exomes below 0.00001; TOPMed below 0.00001; ExAC 0.00001.
gnomAD v4.1: 9 of 1,606,626 alleles (0.00056%); highest among the groups gnomAD compares: Non-Finnish European, 0.00077%; no homozygotes.

Submissions (4):

Ambry Genetics
Classification: Uncertain significance for Cardiovascular phenotype. Last evaluated: 2025-11-03. Review status: criteria provided, single submitter. Criteria: Ambry Variant Classification Scheme 2023. Collection method: clinical testing. Allele origin: germline.
Comment: The p.A945S variant (also known as c.2833G>T), located in coding exon 25 of the RYR2 gene, results from a G to T substitution at nucleotide position 2833. The alanine at codon 945 is replaced by serine, an amino acid with similar properties. This amino acid position is highly conserved in available vertebrate species. In addition, the in silico prediction for this alteration is inconclusive. Based on the available evidence, the clinical significance of this variant remains unclear.

Labcorp Genetics (formerly Invitae), Labcorp
Classification: Uncertain significance for Catecholaminergic polymorphic ventricular tachycardia 1. Last evaluated: 2025-08-20. Review status: criteria provided, single submitter. Criteria: Invitae Variant Classification Sherloc (09022015). Collection method: clinical testing. Allele origin: germline.
Comment: This sequence change replaces alanine, which is neutral and non-polar, with serine, which is neutral and polar, at codon 945 of the RYR2 protein (p.Ala945Ser). The frequency data for this variant in the population databases is considered unreliable, as metrics indicate poor data quality at this position in the gnomAD database. This variant has not been reported in the literature in individuals affected with RYR2-related conditions. ClinVar contains an entry for this variant (Variation ID: 921613). Invitae Evidence Modeling of protein sequence and biophysical properties (such as structural, functional, and spatial information, amino acid conservation, physicochemical variation, residue mobility, and thermodynamic stability) indicates that this missense variant is not expected to disrupt RYR2 protein function with a negative predictive value of 95%. In summary, the available evidence is currently insufficient to determine the role of this variant in disease. Therefore, it has been classified as a Variant of Uncertain Significance.

All of Us Research Program, National Institutes of Health
Classification: Uncertain significance for Catecholaminergic polymorphic ventricular tachycardia. Last evaluated: 2024-08-13. Review status: criteria provided, single submitter. Criteria: ACMG Guidelines, 2015. Collection method: clinical testing. Allele origin: germline. Inheritance: Autosomal dominant inheritance. Observed: 2 variant alleles, 2 heterozygotes.
Comment: Variant of Uncertain Significance due to insufficient evidence: This missense variant is located in the cytoplasmic domain of the RYR2 protein. Computational prediction tools and conservation analyses suggest that this variant may have deleterious impact on the protein function. Computational splicing tools suggest that this variant may impact RNA splicing. To our knowledge, functional assays have not been performed for this variant nor has this variant been reported in individuals affected with cardiovascular disorders in the literature. This variant is rare in the general population and has been identified in 0/277264 chromosomes by the Genome Aggregation Database (gnomAD). Available evidence is insufficient to determine the pathogenicity of this variant conclusively.

This study involves interpretation of variants in research participants for the purpose of population health screening. Participant phenotype was not available at the time of variant classification. Additional details can be found in publication PMID: 35346344, PMCID: PMC8962531

Color Diagnostics, LLC DBA Color Health
Classification: Uncertain significance for Cardiomyopathy. Last evaluated: 2024-03-06. Review status: criteria provided, single submitter. Criteria: ACMG Guidelines, 2015. Collection method: clinical testing. Allele origin: germline.
Comment: This missense variant replaces alanine with serine at codon 945 of the RYR2 protein. Computational prediction suggests that this variant may not impact protein structure and function (internally defined REVEL score threshold <= 0.5, PMID: 27666373). To our knowledge, functional studies have not been reported for this variant. This variant has not been reported in individuals affected with RYR2-related disorders in the literature. This variant has been identified in 1/238302 chromosomes in the general population by the Genome Aggregation Database (gnomAD). The available evidence is insufficient to determine the role of this variant in disease conclusively. Therefore, this variant is classified as a Variant of Uncertain Significance.